The following is an entry in ClinVar:

NM_000127.3(EXT1):c.1890T>A (p.Tyr630Ter)

Gene: EXT1 (exostosin glycosyltransferase 1; minus strand). Cytogenetic location: 8q24.11.
Variant type: single nucleotide variant.
Coding change: c.1890T>A on transcript NM_000127.3 (MANE Select); coding-DNA position 1890, T replaced by A.
Protein change: p.Tyr630Ter; replaces tyrosine 630 with a stop codon.
Molecular consequence: nonsense.
Genome position (GRCh38, 1-based): chr8:117,804,887, A>T on the plus strand (T>A on the coding strand, the complement: EXT1 is on the minus strand). VCF-style: chr8-117804887-A-T. GRCh37 (hg19) VCF-style: chr8-118817126-A-T.
Other names: short protein forms Y630*.
Identifiers: ClinVar variation 3347991 (VCV003347991.1).
Genomic context (GRCh38, chr8:117,804,887, plus strand): 5'-GGCCAATTGGTCCACCATGTTCTTCAGGCTGGCTGGCAGGTAATGGGAGTATAGGTAGTG[A>T]TAATATCTGTAAAAATCAAAGATGGGTTTCACAGGGGGCCATTATCACATGATGACAAGT-3'

ClinVar aggregate classification (germline): Likely pathogenic (0 of 4 stars; one submission).

Conditions:
EXT1-related disorder. Also called: EXT1-related condition.

Submission:

PreventionGenetics, part of Exact Sciences
Classification: Likely pathogenic for EXT1-related condition. Last evaluated: 2024-03-08. Review status: no assertion criteria provided. Collection method: clinical testing. Allele origin: germline.
Comment: The EXT1 c.1890T>A variant is predicted to result in premature protein termination (p.Tyr630*). To our knowledge, this variant has not been reported in the literature or in a large population database, indicating this variant is rare. Nonsense variants in EXT1 are expected to be pathogenic. This variant is interpreted as likely pathogenic.